The following is an entry in ClinVar:

ClinVar aggregate classification (germline): Uncertain significance (1 of 4 stars; one submission).

Submission:

Mayo Clinic Laboratories, Mayo Clinic
Classification: Uncertain significance. Last evaluated: 2024-02-23. Review status: criteria provided, single submitter. Criteria: ACMG Guidelines, 2015. Collection method: clinical testing. Allele origin: germline. Observed: 1 variant allele.
Comment: PM2

NM_004415.4(DSP):c.7816A>C (p.Ser2606Arg)

Gene: DSP (desmoplakin; plus strand). Cytogenetic location: 6p24.3.
Variant type: single nucleotide variant.
Coding change: c.7816A>C on transcript NM_004415.4 (MANE Select); coding-DNA position 7816, A replaced by C.
Protein change: p.Ser2606Arg; replaces serine 2606 with arginine.
Molecular consequence: missense variant.
Genome position (GRCh38, 1-based): chr6:7,585,078, A>C. VCF-style: chr6-7585078-A-C. GRCh37 (hg19) VCF-style: chr6-7585311-A-C.
Other names: p.Ser2606Arg; c.6019A>C, p.Ser2007Arg (NM_001008844.3); c.6487A>C, p.Ser2163Arg (NM_001319034.2); short protein forms S2007R, S2163R, S2606R.
Identifiers: ClinVar variation 3379634 (VCV003379634.1).
Genomic context (GRCh38, chr6:7,585,078, plus strand): 5'-CGACATGAATCAGTAAGTAAGATTTCCACCATATCCAGCGTCAGGAATTTAACCATAAGG[A>C]GCAGCTCTTTTTCAGACACCCTGGAAGAATCGAGCCCCATTGCAGCCATCTTTGACACAG-3'
Protein context (NP_004406.2, residues 2596-2616): ISSVRNLTIR[Ser2606Arg]SSFSDTLEES